The following is an entry in ClinVar:

NM_024675.4(PALB2):c.3340C>T (p.Gln1114Ter)

Gene: PALB2 (partner and localizer of BRCA2; minus strand). Cytogenetic location: 16p12.2.
Variant type: single nucleotide variant.
Coding change: c.3340C>T on transcript NM_024675.4 (MANE Select); coding-DNA position 3340, C replaced by T.
Protein change: p.Gln1114Ter; replaces glutamine 1114 with a stop codon.
Molecular consequence: nonsense.
Genome position (GRCh38, 1-based): chr16:23,607,874, G>A on the plus strand (C>T on the coding strand, the complement: PALB2 is on the minus strand). VCF-style: chr16-23607874-G-A. GRCh37 (hg19) VCF-style: chr16-23619195-G-A.
Other names: short protein forms Q1114*.
Identifiers: ClinVar variation 577564 (VCV000577564.12), dbSNP rs1567206756, ClinGen allele CA395139278.

ClinVar aggregate classification (germline): Pathogenic/Likely pathogenic. Review status: criteria provided, multiple submitters, no conflicts (2 of 4 stars). 5 submissions from 5 submitters: Pathogenic (3); Likely pathogenic (2). Last evaluated 2024-10-09.

Conditions:
Familial cancer of breast. Also called: hereditary breast carcinoma; BREAST CANCER, FAMILIAL; Hereditary breast cancer. Identifiers: Orphanet 227535, MedGen C0346153, MONDO:0016419, OMIM 114480. Disease mechanism: loss of function.
Hereditary cancer-predisposing syndrome. Also called: Tumor predisposition; Hereditary neoplastic syndrome; Hereditary Cancer Syndrome; Neoplastic Syndromes, Hereditary. Identifiers: Orphanet 140162, MedGen C0027672, MeSH D009386, MONDO:0015356.

Allele frequency attached by ClinVar (database versions not stated): gnomAD exomes below 0.00001.
gnomAD v4.1: 1 of 1,613,902 alleles (0.000062%); highest among the groups gnomAD compares: Non-Finnish European, 0.000085%; no homozygotes.

Submissions (5):

Ambry Genetics
Classification: Pathogenic for Hereditary cancer-predisposing syndrome. Last evaluated: 2024-10-09. Review status: criteria provided, single submitter. Criteria: Ambry Variant Classification Scheme 2023. Collection method: clinical testing. Allele origin: germline.
Comment: The p.Q1114* pathogenic mutation (also known as c.3340C>T), located in coding exon 12 of the PALB2 gene, results from a C to T substitution at nucleotide position 3340. This changes the amino acid from a glutamine to a stop codon within coding exon 12. This alteration occurs at the 3' terminus of thePALB2 gene, is not expected to trigger nonsense-mediated mRNA decay, and only impacts the last 73 amino acids of the protein. However, premature stop codons are typically deleterious in nature and the impacted region is critical for protein function (Ambry internal data). This variant was reported in one individual from a study of 1197 individuals who underwent multigene panel testing for hereditary cancer syndromes (Tsaousis GN et al. BMC Cancer. 2019 Jun;19:535). This variant is considered to be rare based on population cohorts in the Genome Aggregation Database (gnomAD). Based on the supporting evidence, this variant is interpreted as a disease-causing mutation.

Color Diagnostics, LLC DBA Color Health
Classification: Likely pathogenic for Hereditary cancer-predisposing syndrome. Last evaluated: 2024-05-27. Review status: criteria provided, single submitter. Criteria: ACMG Guidelines, 2015. Collection method: clinical testing. Allele origin: germline.
Comment: This variant changes 1 nucleotide in exon 12 of the PALB2 gene, creating a premature translation stop signal that is not expected to trigger nonsense-mediated decay. The predicted truncated protein impacts the WD40-repeat domain that is functionally important for BRCA2 and RAD51 binding (PMID: 25833843). Other protein truncations in this region have been reported as disease-causing in ClinVar (variation ID: 126734, 450256, 460990, 803231). However, this variant also creates a cryptic splice donor site located 12 nucleotides upstream of the reference intron 12 donor site, that could potentially cause an in-frame deletion of four amino acids (residues 1114 to 1117) including the premature termination at codon 1114. While this RNA splicing impact has not been confirmed, there is the possibility that the deleterious impact of this nonsense variant may be attenuated by alternative splicing. This variant has been reported in an individual affected with breast cancer (PMID: 31159747). This variant has not been identified in the general population by the Genome Aggregation Database (gnomAD). Loss of PALB2 function is a known mechanism of disease. Loss of PALB2 function is a known mechanism of disease. Based on the available evidence, this variant is classified as Likely Pathogenic.

Myriad Genetics, Inc.
Classification: Likely pathogenic for Familial cancer of breast. Last evaluated: 2024-03-29. Review status: criteria provided, single submitter. Criteria: Myriad Autosomal Dominant, Autosomal Recessive and X-Linked Classification Criteria (2023). Collection method: clinical testing. Allele origin: unknown.
Comment: This variant is considered likely pathogenic. This variant creates a termination codon and is predicted to result in premature protein truncation.

Labcorp Genetics (formerly Invitae), Labcorp
Classification: Pathogenic for Familial cancer of breast. Last evaluated: 2022-12-07. Review status: criteria provided, single submitter. Criteria: Invitae Variant Classification Sherloc (09022015). Collection method: clinical testing. Allele origin: germline.
Comment: For these reasons, this variant has been classified as Pathogenic. This variant disrupts a region of the PALB2 protein in which other variant(s) (p.Ser1165*, p.Gln1175*, p.Tyr1183*) have been determined to be pathogenic (PMID: 17200668, 17200671, 19609323, 26315354; Invitae). This suggests that this is a clinically significant region of the protein, and that variants that disrupt it are likely to be disease-causing. Algorithms developed to predict the effect of sequence changes on RNA splicing suggest that this variant may disrupt the consensus splice site. ClinVar contains an entry for this variant (Variation ID: 577564). This variant has not been reported in the literature in individuals affected with PALB2-related conditions. This variant is not present in population databases (gnomAD no frequency). This sequence change creates a premature translational stop signal (p.Gln1114*) in the PALB2 gene. While this is not anticipated to result in nonsense mediated decay, it is expected to disrupt the last 73 amino acid(s) of the PALB2 protein.

GeneKor MSA
Classification: Pathogenic for Hereditary cancer-predisposing syndrome. Last evaluated: 2020-01-01. Review status: criteria provided, single submitter. Criteria: ACMG Guidelines, 2015. Collection method: clinical testing. Allele origin: germline. Affected: yes.
Comment: This variant is a single amino acid change from Glutamine to a premature translational stop signal at codon 1114 of the PALB2 protein. This is expected to result in an absent or disrupted protein product. Truncating variants in the PALB2 gene are known to be pathogenic (PMID: 17200668, 24136930, 25099575). This variant has been described in the international literature in an individual undergoing panel testing for hereditary syndrome (PMID: 31159747).

Literature cited by the submitters: PubMed 31159747 (cited by Ambry Genetics and Color Diagnostics, LLC DBA Color Health); PubMed 25833843 (cited by Color Diagnostics, LLC DBA Color Health); PubMed 17200668 (cited by Labcorp Genetics (formerly Invitae), Labcorp); PubMed 17200671 (cited by Labcorp Genetics (formerly Invitae), Labcorp); PubMed 19609323 (cited by Labcorp Genetics (formerly Invitae), Labcorp); PubMed 26315354 (cited by Labcorp Genetics (formerly Invitae), Labcorp).